The following is an entry in ClinVar:

ClinVar aggregate classification (germline): Pathogenic/Likely pathogenic. Review status: criteria provided, multiple submitters, no conflicts (2 of 4 stars). 15 submissions from 15 submitters: Pathogenic (13); Likely pathogenic (1). 1 of the submissions does not count toward it. Last evaluated 2025-11-07.

Conditions:
Urogenital tract malformation. Also called: Abnormality of the genitourinary system. Identifiers: Orphanet 83001, MedGen C0042063, MONDO:0019356, HP:0000119.
Polycystic kidney disease 4 (PKD4). Also called: POLYCYSTIC KIDNEY DISEASE 4 WITH OR WITHOUT POLYCYSTIC LIVER DISEASE; Autosomal Recessive Polycystic Kidney Disease – PKHD1; PKD3; POLYCYSTIC KIDNEY AND HEPATIC DISEASE 1; POLYCYSTIC KIDNEY DISEASE, INFANTILE, TYPE I. Identifiers: MedGen C4540575, MONDO:0033004, OMIM 263200.
PKHD1-related disorder. Also called: PKHD1-related condition.
Autosomal recessive polycystic kidney disease (ARPKD). Also called: AR polycystic kidney disease. Identifiers: Orphanet 731, Orphanet 8378, MedGen C0085548, MeSH D017044, MONDO:0009889.
Polycystic kidney disease. Also called: Kidney, Polycystic; Polycystic kidney dysplasia. Identifiers: MedGen C0022680, MeSH D007690, MONDO:0020642, HP:0000113.

Allele frequency attached by ClinVar (database versions not stated): gnomAD exomes 0.00001 and 0.00002; ExAC 0.00002; TOPMed 0.00002; gnomAD 0.00003; 1000 Genomes Project 30x 0.00016; 1000 Genomes Project 0.00020.
gnomAD v4.1: 26 of 1,611,944 alleles (0.0016%); highest among the groups gnomAD compares: Admixed American, 0.0033%; no homozygotes.

Submissions (15):

Otogenetics
Classification: Pathogenic for Autosomal recessive polycystic kidney disease. Last evaluated: 2025-11-07. Review status: criteria provided, single submitter. Criteria: ACMG Guidelines, 2015. Collection method: clinical testing. Allele origin: germline.
Comment: PVS1: Stop gain variant introduces premature stop codon in gene with loss of function as mechanism of disease, predicted to undergo NMD; PM2: Maximum gnomAD MAF of 0.0033% in American (AMR) subpopulation (<0.251% threshold); PM3_VeryStrong: Variant reported in homozygous state in two affected individuals and in trans with 4 pathogenic variants in 4 individuals affected with autosomal recessive polycystic kidney disease (PMID: 19940839, 29956005)

Natera, Inc.
Classification: Pathogenic for Autosomal recessive polycystic kidney disease. Last evaluated: 2025-10-03. Review status: criteria provided, single submitter. Criteria: Natera Variant Classification Schema (03/2026). Collection method: clinical testing. Allele origin: germline.
Comment: The c.7916C>A variant in PKHD1 is a nonsense variant predicted to introduce a stop codon at amino acid 2639. This variant is expected to result in nonsense mediated decay, truncation, or a dysfunctional protein product. This variant is rare in the general population with a frequency below the threshold expected for the associated phenotype(s). This variant has been observed in one or more individuals affected with the associated recessive disease, as either homozygous or compound heterozygous with a second variant (PMID: 34249099). Given the available evidence, this variant is classified as Pathogenic.

CeGaT Center for Human Genetics Tuebingen
Classification: Pathogenic. Last evaluated: 2025-09-01. Review status: criteria provided, single submitter. Criteria: CeGaT Center For Human Genetics Tuebingen Variant Classification Criteria Version 2. Collection method: clinical testing. Allele origin: germline. Affected: yes. Observed: 4 variant alleles.
Comment: PKHD1: PM3:Very Strong, PVS1, PM2, PP4

PreventionGenetics, part of Exact Sciences
Classification: Pathogenic for PKHD1-related condition. Last evaluated: 2025-04-22. Review status: criteria provided, single submitter. Criteria: ACMG Guidelines, 2015. Collection method: clinical testing. Allele origin: germline.
Comment: The PKHD1 c.7916C>A variant is predicted to result in premature protein termination (p.Ser2639*). This variant has been reported in individuals with autosomal recessive polycystic kidney disease (ARPKD) (see for example, Table S2, Denamur et al. 2010. PubMed ID: 19940839; de Fallois et al. 2021. PubMed ID: 34249099). This variant is reported in 0.0039% of alleles in individuals of European (Non-Finnish) descent in gnomAD. Nonsense variants in PKHD1 are expected to be pathogenic. This variant is interpreted as pathogenic.

Blueprint Genetics
Classification: Likely pathogenic for PKHD1-related disorders. Last evaluated: 2024-10-16. Review status: criteria provided, single submitter. Criteria: ACMG Guidelines, 2015. Collection method: clinical testing. Allele origin: germline. Affected: yes. Observed: 4 variant alleles.

Labcorp Genetics (formerly Invitae), Labcorp
Classification: Pathogenic for Autosomal recessive polycystic kidney disease. Last evaluated: 2024-04-05. Review status: criteria provided, single submitter. Criteria: Invitae Variant Classification Sherloc (09022015). Collection method: clinical testing. Allele origin: germline.
Comment: This sequence change creates a premature translational stop signal (p.Ser2639*) in the PKHD1 gene. It is expected to result in an absent or disrupted protein product. Loss-of-function variants in PKHD1 are known to be pathogenic (PMID: 19940839). The frequency data for this variant in the population databases is considered unreliable, as metrics indicate poor data quality at this position in the gnomAD database. This premature translational stop signal has been observed in individuals with polycystic kidney disease (PMID: 19940839, 27225849). ClinVar contains an entry for this variant (Variation ID: 189143). Algorithms developed to predict the effect of sequence changes on RNA splicing suggest that this variant may disrupt the consensus splice site. For these reasons, this variant has been classified as Pathogenic.

GeneDx
Classification: Pathogenic. Last evaluated: 2023-01-12. Review status: criteria provided, single submitter. Criteria: GeneDx Variant Classification Process June 2021. Collection method: clinical testing. Allele origin: germline. Affected: yes.
Comment: Nonsense variant predicted to result in protein truncation or nonsense mediated decay in a gene for which loss of function is a known mechanism of disease; Not observed at significant frequency in large population cohorts (gnomAD); This variant is associated with the following publications: (PMID: 25525159, 19940839, 34249099, 27225849, 29956005)

Fulgent Genetics
Classification: Pathogenic for Polycystic kidney disease 4. Last evaluated: 2021-12-18. Review status: criteria provided, single submitter. Criteria: ACMG Guidelines, 2015. Collection method: clinical testing. Allele origin: unknown.

Kariminejad - Najmabadi Pathology & Genetics Center
Classification: Pathogenic for Urogenital tract malformation. Last evaluated: 2021-07-10. Review status: criteria provided, single submitter. Criteria: ACMG Guidelines, 2015. Collection method: clinical testing. Allele origin: germline.

Institute of Human Genetics, University of Leipzig Medical Center
Classification: Pathogenic for Polycystic kidney disease 4. Last evaluated: 2021-04-19. Review status: criteria provided, single submitter. Criteria: ACMG Guidelines, 2015. Collection method: clinical testing. Allele origin: germline. Inheritance: Autosomal recessive inheritance. Affected: yes.

Women's Health and Genetics/Laboratory Corporation of America, LabCorp
Classification: Pathogenic for Autosomal recessive polycystic kidney disease. Last evaluated: 2020-09-17. Review status: criteria provided, single submitter. Criteria: LabCorp Variant Classification Summary - May 2015. Collection method: clinical testing. Allele origin: germline.
Comment: Variant summary: PKHD1 c.7916C>A (p.Ser2639X) results in a premature termination codon, predicted to cause a truncation of the encoded protein or absence of the protein due to nonsense mediated decay, which are commonly known mechanisms for disease. Truncations downstream of this position have been classified as pathogenic by our laboratory. The variant allele was found at a frequency of 2e-05 in 251146 control chromosomes (gnomAD). c.7916C>A has been reported in compound heterozygous and homozygous state in multiple individuals affected with Polycystic Kidney And Hepatic Disease (Denamur_2010, Tavira_2015, Melchionda_2016, Szabo_2018). These data indicate that the variant is very likely to be associated with disease. To our knowledge, no experimental evidence demonstrating an impact on protein function has been reported. Two ClinVar submitters (evaluation after 2014) cite the variant as pathogenic/likely pathogenic. Based on the evidence outlined above, the variant was classified as pathogenic.

Centre for Mendelian Genomics, University Medical Centre Ljubljana
Classification: Pathogenic for Polycystic kidney disease. Last evaluated: 2013-12-09. Review status: criteria provided, single submitter. Criteria: ACMG Guidelines, 2015. Collection method: clinical testing. Allele origin: unknown. Affected: yes.

3billion
Classification: Pathogenic for Polycystic kidney disease 4. Review status: criteria provided, single submitter. Criteria: ACMG Guidelines, 2015. Collection method: clinical testing. Allele origin: unknown. Affected: yes. Observed: 1 homozygote.
Comment: The variant is observed at an extremely low frequency in the gnomAD v2.1.1 dataset (total allele frequency: 0.002%). The variant is predicted to result in a loss or disruption of normal protein function through nonsense-mediated decay (NMD) or protein truncation. Multiple pathogenic variants are reported downstream of the variant. The variant has been reported at least twice as pathogenic with clinical assertions and evidence for the classification (ClinVar ID: VCV000189143 / PMID: 19940839). Therefore, this variant is classified as Pathogenic according to the recommendation of ACMG/AMP guideline.

Baylor Genetics
Classification: Pathogenic for Polycystic kidney disease 4. Review status: criteria provided, single submitter. Criteria: ACMG Guidelines, 2015. Collection method: clinical testing. Allele origin: germline.

Counsyl
Classification: Likely pathogenic for Polycystic kidney disease, infantile type. Last evaluated: 2015-01-22. Review status: no assertion criteria provided. Collection method: literature only. Allele origin: unknown. Inheritance: Autosomal recessive inheritance. Not counted in ClinVar's aggregate classification.

Literature cited by the submitters: PubMed 19940839 (cited by 4 submitters); PubMed 29956005 (cited by Otogenetics and Women's Health and Genetics/Laboratory Corporation of America, LabCorp); PubMed 34249099 (cited by Natera, Inc.); PubMed 27225849 (cited by Labcorp Genetics (formerly Invitae), Labcorp and Women's Health and Genetics/Laboratory Corporation of America, LabCorp); PubMed 25701400 (cited by Women's Health and Genetics/Laboratory Corporation of America, LabCorp); PubMed 19940939 (cited by Counsyl).

NM_138694.4(PKHD1):c.7916C>A (p.Ser2639Ter)

Gene: PKHD1 (PKHD1 ciliary IPT domain containing fibrocystin/polyductin; minus strand). Cytogenetic location: 6p12.2.
Variant type: single nucleotide variant.
Coding change: c.7916C>A on transcript NM_138694.4 (MANE Select); coding-DNA position 7916, C replaced by A.
Protein change: p.Ser2639Ter; replaces serine 2639 with a stop codon.
Molecular consequence: nonsense.
Genome position (GRCh38, 1-based): chr6:51,847,966, G>T on the plus strand (C>A on the coding strand, the complement: PKHD1 is on the minus strand). VCF-style: chr6-51847966-G-T. GRCh37 (hg19) VCF-style: chr6-51712764-G-T.
Other names: c.7916C>A, p.Ser2639Ter (NM_170724.3); c.7916C>A (NM_170724.2); short protein forms S2639*.
Identifiers: ClinVar variation 189143 (VCV000189143.88), dbSNP rs181208607, ClinGen allele CA274412.